The following is an entry in ClinVar:

NM_016335.6(PRODH):c.611A>G (p.Asn204Ser)

Gene: PRODH (proline dehydrogenase 1; minus strand). Cytogenetic location: 22q11.21.
Variant type: single nucleotide variant.
Coding change: c.611A>G on transcript NM_016335.6 (MANE Select); coding-DNA position 611, A replaced by G.
Protein change: p.Asn204Ser; replaces asparagine 204 with serine.
Molecular consequence: missense variant.
Genome position (GRCh38, 1-based): chr22:18,925,107, T>C on the plus strand (A>G on the coding strand, the complement: PRODH is on the minus strand). VCF-style: chr22-18925107-T-C. GRCh37 (hg19) VCF-style: chr22-18912620-T-C.
Other names: c.287A>G, p.Asn96Ser (NM_001195226.2, NM_001368250.2); short protein forms N204S, N96S.
Identifiers: ClinVar variation 2169299 (VCV002169299.5), dbSNP rs140758741, ClinGen allele CA10095332.
Genomic context (GRCh38, chr22:18,925,107, plus strand): 5'-CCACCTGAGGCTTCGATGCAGCGCAAGAATGTCTCCATGTGGCTGTCGCACTTGGCCTCA[T>C]TGGCGTAGAAGTAGGTGCGGGCACTGATGACACCATTCCTGCGGTCCCCGAAGGCCCAGT-3'
Protein context (NP_057419.5, residues 194-214): VISARTYFYA[Asn204Ser]EAKCDSHMET

ClinVar aggregate classification (germline): Uncertain significance. Review status: criteria provided, multiple submitters, no conflicts (2 of 4 stars). 2 submissions from 2 submitters: Uncertain significance (2). Last evaluated 2024-11-05.

Conditions:
Proline dehydrogenase deficiency (HYRPRO1). Also called: PROLINE OXIDASE DEFICIENCY; Hyperprolinemia type 1. Identifiers: Orphanet 419, MedGen C0268529, MONDO:0009400, OMIM 239500.
Schizophrenia 4 (SCZD4). Also called: SCHIZOPHRENIA SUSCEPTIBILITY LOCUS, CHROMOSOME 22q11-RELATED; SCHIZOPHRENIA, SUSCEPTIBILITY TO, 4. Identifiers: MedGen C1833247, MONDO:0010943, OMIM 600850.

Allele frequency attached by ClinVar (database versions not stated): ESP Exome Variant Server 0.00031; 1000 Genomes Project 0.00040.

Submissions (2):

Labcorp Genetics (formerly Invitae), Labcorp
Classification: Uncertain significance for Proline dehydrogenase deficiency. Last evaluated: 2024-11-05. Review status: criteria provided, single submitter. Criteria: Invitae Variant Classification Sherloc (09022015). Collection method: clinical testing. Allele origin: germline.
Comment: This sequence change replaces asparagine, which is neutral and polar, with serine, which is neutral and polar, at codon 204 of the PRODH protein (p.Asn204Ser). This variant is present in population databases (rs140758741, gnomAD 0.2%). This variant has not been reported in the literature in individuals affected with PRODH-related conditions. ClinVar contains an entry for this variant (Variation ID: 2169299). Invitae Evidence Modeling of protein sequence and biophysical properties (such as structural, functional, and spatial information, amino acid conservation, physicochemical variation, residue mobility, and thermodynamic stability) indicates that this missense variant is not expected to disrupt PRODH protein function with a negative predictive value of 80%. In summary, the available evidence is currently insufficient to determine the role of this variant in disease. Therefore, it has been classified as a Variant of Uncertain Significance.

Fulgent Genetics
Classification: Uncertain significance for Proline dehydrogenase deficiency; Schizophrenia 4. Last evaluated: 2024-05-14. Review status: criteria provided, single submitter. Criteria: ACMG Guidelines, 2015. Collection method: clinical testing. Allele origin: germline.